The following is an entry in ClinVar:

NM_001018115.3(FANCD2):c.2252A>C (p.Glu751Ala)

Genes: FANCD2 (FA complementation group D2; plus strand), LOC107303338 (3p25 FANCD2 Alu-mediated recombination region; plus strand). Cytogenetic location: 3p25.3.
Variant type: single nucleotide variant.
Coding change: c.2252A>C on transcript NM_001018115.3 (MANE Select); coding-DNA position 2252, A replaced by C.
Protein change: p.Glu751Ala; replaces glutamic acid 751 with alanine.
Molecular consequence: missense variant.
Genome position (GRCh38, 1-based): chr3:10,065,477, A>C. VCF-style: chr3-10065477-A-C. GRCh37 (hg19) VCF-style: chr3-10107161-A-C.
Other names: c.2252A>C, p.Glu751Ala (NM_001319984.2, NM_001374254.1, NM_033084.6); c.2141A>C, p.Glu714Ala (NM_001374253.1); short protein forms E714A, E751A.
Identifiers: ClinVar variation 1717970 (VCV001717970.5), dbSNP rs2087693381, ClinGen allele CA351734916.

ClinVar aggregate classification (germline): Uncertain significance (1 of 4 stars; one submission).

Conditions:
Fanconi anemia (FA). Also called: Fanconi's anemia. Identifiers: Orphanet 84, MedGen C0015625, MeSH D005199, MONDO:0019391.

Submission:

Labcorp Genetics (formerly Invitae), Labcorp
Classification: Uncertain significance for Fanconi anemia. Last evaluated: 2022-08-24. Review status: criteria provided, single submitter. Criteria: Invitae Variant Classification Sherloc (09022015). Collection method: clinical testing. Allele origin: germline.
Comment: Algorithms developed to predict the effect of missense changes on protein structure and function are either unavailable or do not agree on the potential impact of this missense change (SIFT: "Tolerated"; PolyPhen-2: "Possibly Damaging"; Align-GVGD: "Class C0"). This sequence change replaces glutamic acid, which is acidic and polar, with alanine, which is neutral and non-polar, at codon 751 of the FANCD2 protein (p.Glu751Ala). This variant is not present in population databases (gnomAD no frequency). This variant has not been reported in the literature in individuals affected with FANCD2-related conditions. In summary, the available evidence is currently insufficient to determine the role of this variant in disease. Therefore, it has been classified as a Variant of Uncertain Significance.